The following is an entry in ClinVar:

NM_001202.6(BMP4):c.326G>A (p.Arg109His)

Gene: BMP4 (bone morphogenetic protein 4; minus strand). Cytogenetic location: 14q22.2.
Variant type: single nucleotide variant.
Coding change: c.326G>A on transcript NM_001202.6 (MANE Select); coding-DNA position 326, G replaced by A.
Protein change: p.Arg109His; replaces arginine 109 with histidine.
Molecular consequence: missense variant.
Genome position (GRCh38, 1-based): chr14:53,951,897, C>T on the plus strand (G>A on the coding strand, the complement: BMP4 is on the minus strand). VCF-style: chr14-53951897-C-T. GRCh37 (hg19) VCF-style: chr14-54418615-C-T.
Other names: c.467G>A, p.Arg156His (NM_001347912.1); c.137G>A, p.Arg46His (NM_001347913.2, NM_001347915.2, NM_001347917.1); c.326G>A, p.Arg109His (NM_001347914.2, NM_001347916.1, NM_130850.5 and 1 more transcripts); short protein forms R109H, R156H, R46H.
Identifiers: ClinVar variation 2631942 (VCV002631942.1), dbSNP rs773235106, ClinGen allele CA261472780.

ClinVar aggregate classification (germline): Uncertain significance (1 of 4 stars; one submission).

Conditions:
BMP4-related disorder. Also called: BMP4-related condition.

gnomAD v4.1: 7 of 1,601,088 alleles (0.00044%); highest among the groups gnomAD compares: Admixed American, 0.0033%; no homozygotes.

Submission:

PreventionGenetics, part of Exact Sciences
Classification: Uncertain significance for BMP4-related condition. Last evaluated: 2022-10-21. Review status: criteria provided, single submitter. Criteria: ACMG Guidelines, 2015. Collection method: clinical testing. Allele origin: germline.
Comment: The BMP4 c.326G>A variant is predicted to result in the amino acid substitution p.Arg109His. To our knowledge, this variant has not been reported in the literature. This variant is reported in 0.0% of alleles in individuals of African descent in gnomAD. At this time, the clinical significance of this variant is uncertain due to the absence of conclusive functional and genetic evidence.